The following is an entry in ClinVar:

NM_170606.3(KMT2C):c.2353C>T (p.Pro785Ser)

Gene: KMT2C (lysine methyltransferase 2C; minus strand). Cytogenetic location: 7q36.1.
Variant type: single nucleotide variant.
Coding change: c.2353C>T on transcript NM_170606.3 (MANE Select); coding-DNA position 2353, C replaced by T.
Protein change: p.Pro785Ser; replaces proline 785 with serine.
Molecular consequence: missense variant.
Genome position (GRCh38, 1-based): chr7:152,248,081, G>A on the plus strand (C>T on the coding strand, the complement: KMT2C is on the minus strand). VCF-style: chr7-152248081-G-A. GRCh37 (hg19) VCF-style: chr7-151945166-G-A.
Other names: short protein forms P785S.
Identifiers: ClinVar variation 4822428 (VCV004822428.4).
Genomic context (GRCh38, chr7:152,248,081, plus strand): 5'-TAAGAGCTGAAGGGTAATTATGCAGCATGTCATGCGAAGGCAAGTCTGAAGAAGGTGTTG[G>A]GGAGGAAGACACATCTGCCTTGCTTATGTCTGCTGATGATGAAAATGATGACTCTGTCTC-3'
Protein context (NP_733751.2, residues 775-795): DISKADVSSS[Pro785Ser]TPSSDLPSHD

ClinVar aggregate classification (germline): Uncertain significance (1 of 4 stars; one submission).

Submission:

CeGaT Center for Human Genetics Tuebingen
Classification: Uncertain significance. Last evaluated: 2026-03-01. Review status: criteria provided, single submitter. Criteria: CeGaT Center For Human Genetics Tuebingen Variant Classification Criteria Version 2. Collection method: clinical testing. Allele origin: germline. Affected: yes. Observed: 1 variant allele.
Comment: KMT2C: PM2:Supporting, BP4